The following is an entry in ClinVar:

ClinVar aggregate classification (germline): Uncertain significance (1 of 4 stars; one submission).

gnomAD v4.1: 1 of 1,613,938 alleles (0.000062%); highest among the groups gnomAD compares: Non-Finnish European, 0.000085%; no homozygotes.

Submission:

Labcorp Genetics (formerly Invitae), Labcorp
Classification: Uncertain significance. Last evaluated: 2024-09-15. Review status: criteria provided, single submitter. Criteria: Invitae Variant Classification Sherloc (09022015). Collection method: clinical testing. Allele origin: germline.
Comment: This sequence change replaces proline, which is neutral and non-polar, with alanine, which is neutral and non-polar, at codon 169 of the MAPKAPK3 protein (p.Pro169Ala). This variant is not present in population databases (gnomAD no frequency). This variant has not been reported in the literature in individuals affected with MAPKAPK3-related conditions. An algorithm developed to predict the effect of missense changes on protein structure and function (PolyPhen-2) suggests that this variant is likely to be disruptive. In summary, the available evidence is currently insufficient to determine the role of this variant in disease. Therefore, it has been classified as a Variant of Uncertain Significance.

NM_001243925.2(MAPKAPK3):c.505C>G (p.Pro169Ala)

Gene: MAPKAPK3 (MAPK activated protein kinase 3; plus strand). Cytogenetic location: 3p21.2.
Variant type: single nucleotide variant.
Coding change: c.505C>G on transcript NM_001243925.2 (MANE Select); coding-DNA position 505, C replaced by G.
Protein change: p.Pro169Ala; replaces proline 169 with alanine.
Molecular consequence: missense variant.
Genome position (GRCh38, 1-based): chr3:50,644,409, C>G. VCF-style: chr3-50644409-C-G. GRCh37 (hg19) VCF-style: chr3-50681840-C-G.
Other names: c.505C>G, p.Pro169Ala (NM_001243926.2, NM_004635.5); short protein forms P169A.
Identifiers: ClinVar variation 3608118 (VCV003608118.2).